The following is an entry in ClinVar:

NM_006231.4(POLE):c.2426A>G (p.Lys809Arg)

Gene: POLE (DNA polymerase epsilon, catalytic subunit; minus strand). Cytogenetic location: 12q24.33.
Variant type: single nucleotide variant.
Coding change: c.2426A>G on transcript NM_006231.4 (MANE Select); coding-DNA position 2426, A replaced by G.
Protein change: p.Lys809Arg; replaces lysine 809 with arginine.
Molecular consequence: missense variant.
Genome position (GRCh38, 1-based): chr12:132,665,344, T>C on the plus strand (A>G on the coding strand, the complement: POLE is on the minus strand). VCF-style: chr12-132665344-T-C. GRCh37 (hg19) VCF-style: chr12-133241930-T-C.
Other names: c.2426A>G (NM_006231.2); short protein forms K809R.
Identifiers: ClinVar variation 2872113 (VCV002872113.4), dbSNP rs779094678, ClinGen allele CA6893563.

ClinVar aggregate classification (germline): Uncertain significance. Review status: criteria provided, multiple submitters, no conflicts (2 of 4 stars). 2 submissions from 2 submitters: Uncertain significance (2). Last evaluated 2025-09-04.

Conditions:
Hereditary cancer-predisposing syndrome. Also called: Neoplastic Syndromes, Hereditary; Hereditary Cancer Syndrome; Hereditary neoplastic syndrome; Tumor predisposition. Identifiers: Orphanet 140162, MedGen C0027672, MeSH D009386, MONDO:0015356.

Allele frequency attached by ClinVar (database versions not stated): gnomAD exomes below 0.00001; ExAC 0.00001.
gnomAD v4.1: 2 of 1,614,048 alleles (0.00012%); highest among the groups gnomAD compares: Admixed American, 0.0033%; no homozygotes.

Submissions (2):

Labcorp Genetics (formerly Invitae), Labcorp
Classification: Uncertain significance. Last evaluated: 2025-09-04. Review status: criteria provided, single submitter. Criteria: Invitae Variant Classification Sherloc (09022015). Collection method: clinical testing. Allele origin: germline.
Comment: This sequence change replaces lysine, which is basic and polar, with arginine, which is basic and polar, at codon 809 of the POLE protein (p.Lys809Arg). This variant is present in population databases (rs779094678, gnomAD 0.006%). This variant has not been reported in the literature in individuals affected with POLE-related conditions. ClinVar contains an entry for this variant (Variation ID: 2872113). Invitae Evidence Modeling of protein sequence and biophysical properties (such as structural, functional, and spatial information, amino acid conservation, physicochemical variation, residue mobility, and thermodynamic stability) indicates that this missense variant is expected to disrupt POLE protein function with a positive predictive value of 80%. Algorithms developed to predict the effect of sequence changes on RNA splicing suggest that this variant may create or strengthen a splice site. In summary, the available evidence is currently insufficient to determine the role of this variant in disease. Therefore, it has been classified as a Variant of Uncertain Significance.

Ambry Genetics
Classification: Uncertain significance for Hereditary cancer-predisposing syndrome. Last evaluated: 2025-01-15. Review status: criteria provided, single submitter. Criteria: Ambry Variant Classification Scheme 2023. Collection method: clinical testing. Allele origin: germline.
Comment: The p.K809R variant (also known as c.2426A>G), located in coding exon 21 of the POLE gene, results from an A to G substitution at nucleotide position 2426. The lysine at codon 809 is replaced by arginine, an amino acid with highly similar properties. This amino acid position is highly conserved in available vertebrate species. In addition, this alteration is predicted to be deleterious by in silico analysis. Based on the available evidence, the clinical significance of this variant remains unclear.